The following is an entry in ClinVar:

ClinVar aggregate classification (germline): Pathogenic (1 of 4 stars; one submission).

Conditions:
Neonatal-onset encephalopathy with rigidity and seizures. Also called: Lethal neonatal spasticity-epileptic encephalopathy syndrome. Identifiers: Orphanet 435845, MedGen C3281029, MONDO:0013784, OMIM 614498.

Submission:

Labcorp Genetics (formerly Invitae), Labcorp
Classification: Pathogenic for Neonatal-onset encephalopathy with rigidity and seizures. Last evaluated: 2024-11-24. Review status: criteria provided, single submitter. Criteria: Invitae Variant Classification Sherloc (09022015). Collection method: clinical testing. Allele origin: germline.
Comment: This sequence change creates a premature translational stop signal (p.Glu515Serfs*15) in the BRAT1 gene. It is expected to result in an absent or disrupted protein product. Loss-of-function variants in BRAT1 are known to be pathogenic (PMID: 22279524, 25500575). Information on the frequency of this variant in the gnomAD database is not available, as this variant may be reported differently in the database. This variant has not been reported in the literature in individuals affected with BRAT1-related conditions. For these reasons, this variant has been classified as Pathogenic.

Literature cited by the submitters: PubMed 22279524; PubMed 25500575.

NM_152743.4(BRAT1):c.1543_1564delinsTC (p.Glu515fs)

Gene: BRAT1 (BRCA1 associated ATM activator 1; minus strand). Cytogenetic location: 7p22.3.
Variant type: Indel.
Coding change: c.1543_1564delinsTC on transcript NM_152743.4 (MANE Select); coding-DNA positions 1543 to 1564, GAGGTGAGGGACTCCGCCCTCG replaced by TC.
Protein change: p.Glu515fs; shifts the reading frame from glutamic acid 515.
Molecular consequence: frameshift variant. On other transcripts: non-coding transcript variant (1).
Genome position (GRCh38, 1-based): chr7:2,539,577-2,539,598, CGAGGGCGGAGTCCCTCACCTC replaced by GA on the plus strand (GAGGTGAGGGACTCCGCCCTCG replaced by TC on the coding strand, the reverse complement: BRAT1 is on the minus strand). VCF-style: chr7-2539577-CGAGGGCGGAGTCCCTCACCTC-GA. GRCh37 (hg19) VCF-style: chr7-2579211-CGAGGGCGGAGTCCCTCACCTC-GA.
Other names: c.1543_1564delinsTC, p.Glu515fs (NM_001350626.2); c.1018_1039delinsTC, p.Glu340fs (NM_001350627.2); short protein forms E340fs, E515fs.
Identifiers: ClinVar variation 540176 (VCV000540176.6), dbSNP rs1554293869, ClinGen allele CA658796879.